The following is an entry in ClinVar:

NM_001367823.1(ARHGEF18):c.3554C>A (p.Ser1185Tyr)

Gene: ARHGEF18 (Rho/Rac guanine nucleotide exchange factor 18; plus strand). Cytogenetic location: 19p13.2.
Variant type: single nucleotide variant.
Coding change: c.3554C>A on transcript NM_001367823.1 (MANE Select); coding-DNA position 3554, C replaced by A.
Protein change: p.Ser1185Tyr; replaces serine 1185 with tyrosine.
Molecular consequence: missense variant.
Genome position (GRCh38, 1-based): chr19:7,468,898, C>A. VCF-style: chr19-7468898-C-A. GRCh37 (hg19) VCF-style: chr19-7533784-C-A.
Other names: c.2828C>A, p.Ser943Tyr (NM_001130955.2); c.2516C>A, p.Ser839Tyr (NM_001367824.1, NM_015318.4); c.2990C>A (NM_001130955.1); short protein forms S1185Y, S839Y, S943Y.
Identifiers: ClinVar variation 1058145 (VCV001058145.9), dbSNP rs766910888, ClinGen allele CA9137168.
Genomic context (GRCh38, chr19:7,468,898, plus strand): 5'-GCCACCCTCCCAGCTTCAACGGGGAAGGGCTGGAGGGCCCTCGTGTGAGCATGCTGCCAT[C>A]CGGCGTGGGGCCAGAGTACGCAGAGCGCCCCGAGGTGGCTCGCCGGGACAGCGCCCCCAC-3'
Protein context (NP_001354752.1, residues 1175-1195): LEGPRVSMLP[Ser1185Tyr]GVGPEYAERP

ClinVar aggregate classification (germline): Uncertain significance. Review status: criteria provided, multiple submitters, no conflicts (2 of 4 stars). 3 submissions from 3 submitters: Uncertain significance (3). Last evaluated 2025-11-17.

Conditions:
Inborn genetic diseases. Identifiers: MedGen C0950123, MeSH D030342.

Allele frequency attached by ClinVar (database versions not stated): ExAC 0.00003.
gnomAD v4.1: 18 of 1,574,546 alleles (0.0011%); highest among the groups gnomAD compares: Non-Finnish European, 0.0016%; no homozygotes.

Submissions (3):

Labcorp Genetics (formerly Invitae), Labcorp
Classification: Uncertain significance. Last evaluated: 2025-11-17. Review status: criteria provided, single submitter. Criteria: Invitae Variant Classification Sherloc (09022015). Collection method: clinical testing. Allele origin: germline.
Comment: This sequence change replaces serine, which is neutral and polar, with tyrosine, which is neutral and polar, at codon 997 of the ARHGEF18 protein (p.Ser997Tyr). The frequency data for this variant in the population databases is considered unreliable, as metrics indicate poor data quality at this position in the gnomAD database. This variant has not been reported in the literature in individuals affected with ARHGEF18-related conditions. ClinVar contains an entry for this variant (Variation ID: 1058145). An algorithm developed to predict the effect of missense changes on protein structure and function (PolyPhen-2) suggests that this variant is likely to be tolerated. In summary, the available evidence is currently insufficient to determine the role of this variant in disease. Therefore, it has been classified as a Variant of Uncertain Significance.

Ambry Genetics
Classification: Uncertain significance for Inborn genetic diseases. Last evaluated: 2025-08-04. Review status: criteria provided, single submitter. Criteria: Ambry Variant Classification Scheme 2023. Collection method: clinical testing. Allele origin: germline.

Blueprint Genetics
Classification: Uncertain significance. Last evaluated: 2024-06-27. Review status: criteria provided, single submitter. Criteria: ACMG Guidelines, 2015. Collection method: clinical testing. Allele origin: germline.